The following is an entry in ClinVar:

ClinVar aggregate classification (germline): Uncertain significance. Review status: criteria provided, multiple submitters, no conflicts (2 of 4 stars). 3 submissions from 3 submitters: Uncertain significance (3). Last evaluated 2024-12-16.

Conditions:
Carpal tunnel syndrome 1 (CTS1). Also called: Carpal tunnel syndrome, familial. Identifiers: MedGen C5779776, MONDO:0020730, OMIM 115430.
Amyloidosis, hereditary systemic 1 (AMYLD1). Also called: Familial amyloid polyneuropathy; Transthyretin Amyloidosis; Hereditary oculoleptomeningeal amyloid angiopathy; Familial Transthyretin Amyloidosis; AMYLOID CARDIOMYOPATHY; Hereditary Transthyretin Amyloidosis. Identifiers: Orphanet 85447, Orphanet 85451, MedGen C2751492, MONDO:0971004, OMIM 105210.
Hyperthyroxinemia, dystransthyretinemic. Also called: EUTHRYROIDAL HYPERTHYROXINEMIA 2; HYPERTHYROXINEMIA, DYSPREALBUMINEMIC. Identifiers: MedGen C2750824, MONDO:0007785, OMIM 145680.
Cardiovascular phenotype. Identifiers: MedGen CN230736.

Allele frequency attached by ClinVar (database versions not stated): gnomAD 0.00001.
gnomAD v4.1: 1 of 1,614,038 alleles (0.000062%); highest among the groups gnomAD compares: East Asian, 0.0022%; no homozygotes.

Submissions (3):

Ambry Genetics
Classification: Uncertain significance for Cardiovascular phenotype. Last evaluated: 2024-12-16. Review status: criteria provided, single submitter. Criteria: Ambry Variant Classification Scheme 2023. Collection method: clinical testing. Allele origin: germline.
Comment: The p.S43R variant (also known as c.127A>C), located in coding exon 2 of the TTR gene, results from an A to C substitution at nucleotide position 127. The serine at codon 43 is replaced by arginine, an amino acid with dissimilar properties. Other variant(s) at the same codon, p.S43N (c.128G>A), have been identified in individual(s) with features consistent transthyretin (TTR) amyloidosis, as well as TTR amyloidosis cohorts (Connors LH et al. Amyloid, 1999 Jun;6:114-8; Mueller II et al. BMJ Case Rep, 2010 Mar;2010:[ePub ahead of print]; Casta&ntilde;o A et al. Amyloid, 2012 Mar;19:41-6; Rapezzi C et al. Eur Heart J, 2013 Feb;34:520-8; Ihse E et al. Amyloid, 2013 Sep;20:142-50; Liu N et al. Sci Rep, 2017 09;7:10676; Waddington-Cruz M et al. J Peripher Nerv Syst, 2021 06;26:160-166; Papathanasiou M et al. Mol Genet Genomic Med, 2021 12;9:e1581). This amino acid position is not well conserved in available vertebrate species. In addition, the in silico prediction for this alteration is inconclusive. Based on the available evidence, the clinical significance of this variant remains unclear.

Fulgent Genetics
Classification: Uncertain significance for Amyloidosis, hereditary systemic 1; Carpal tunnel syndrome 1; Hyperthyroxinemia, dystransthyretinemic. Last evaluated: 2021-10-29. Review status: criteria provided, single submitter. Criteria: ACMG Guidelines, 2015. Collection method: clinical testing. Allele origin: unknown.

Labcorp Genetics (formerly Invitae), Labcorp
Classification: Uncertain significance for Amyloidosis, hereditary systemic 1. Last evaluated: 2021-08-13. Review status: criteria provided, single submitter. Criteria: Invitae Variant Classification Sherloc (09022015). Collection method: clinical testing. Allele origin: germline.

NM_000371.4(TTR):c.127A>C (p.Ser43Arg)

Gene: TTR (transthyretin; plus strand). Cytogenetic location: 18q12.1.
Variant type: single nucleotide variant.
Coding change: c.127A>C on transcript NM_000371.4 (MANE Select); coding-DNA position 127, A replaced by C.
Protein change: p.Ser43Arg; replaces serine 43 with arginine.
Molecular consequence: missense variant.
Genome position (GRCh38, 1-based): chr18:31,592,953, A>C. VCF-style: chr18-31592953-A-C. GRCh37 (hg19) VCF-style: chr18-29172916-A-C.
Other names: short protein forms S43R.
Identifiers: ClinVar variation 641759 (VCV000641759.6), dbSNP rs11541800, ClinGen allele CA402156656.